The following is an entry in ClinVar:

ClinVar aggregate classification (germline): Uncertain significance. Review status: criteria provided, single submitter (1 of 4 stars). 2 submissions from 2 submitters: Uncertain significance (1). 1 of the submissions does not count toward it. Last evaluated 2023-12-12.

Conditions:
Auditory neuropathy spectrum disorder. Identifiers: MedGen C2732267.

Allele frequency attached by ClinVar (database versions not stated): TOPMed below 0.00001; ExAC 0.00001; gnomAD 0.00001; gnomAD exomes 0.00001 and 0.00002.
gnomAD v4.1: 26 of 1,613,800 alleles (0.0016%); highest among the groups gnomAD compares: Non-Finnish European, 0.0022%; no homozygotes.

Submissions (2):

Labcorp Genetics (formerly Invitae), Labcorp
Classification: Uncertain significance. Last evaluated: 2023-12-12. Review status: criteria provided, single submitter. Criteria: Invitae Variant Classification Sherloc (09022015). Collection method: clinical testing. Allele origin: germline.
Comment: This sequence change replaces phenylalanine, which is neutral and non-polar, with leucine, which is neutral and non-polar, at codon 464 of the OPA1 protein (p.Phe464Leu). This variant is present in population databases (rs757786063, gnomAD 0.002%). This missense change has been observed in individual(s) with ocular disease (PMID: 33884488). This variant is also known as c.1555 T>C (p.Phe519Leu). ClinVar contains an entry for this variant (Variation ID: 1520027). Advanced modeling of protein sequence and biophysical properties (such as structural, functional, and spatial information, amino acid conservation, physicochemical variation, residue mobility, and thermodynamic stability) performed at Invitae indicates that this missense variant is not expected to disrupt OPA1 protein function with a negative predictive value of 80%. In summary, the available evidence is currently insufficient to determine the role of this variant in disease. Therefore, it has been classified as a Variant of Uncertain Significance.

Department of Otolaryngology, Head and Neck Surgery, Beijing Friendship Hospital, Capital Medical University
Classification: Pathogenic for Auditory neuropathy spectrum disorder. Last evaluated: 2020-05-29. Review status: no assertion criteria provided. Collection method: clinical testing. Allele origin: de novo. Inheritance: Autosomal dominant inheritance. Affected: yes. Not counted in ClinVar's aggregate classification.

Literature cited by the submitters: PubMed 33884488 (cited by Labcorp Genetics (formerly Invitae), Labcorp).

NM_130837.3(OPA1):c.1555T>C (p.Phe519Leu)

Gene: OPA1 (OPA1 mitochondrial dynamin like GTPase; plus strand). Cytogenetic location: 3q29.
Variant type: single nucleotide variant.
Coding change: c.1555T>C on transcript NM_130837.3 (MANE Select); coding-DNA position 1555, T replaced by C.
Protein change: p.Phe519Leu; replaces phenylalanine 519 with leucine.
Molecular consequence: missense variant.
Genome position (GRCh38, 1-based): chr3:193,644,052, T>C. VCF-style: chr3-193644052-T-C. GRCh37 (hg19) VCF-style: chr3-193361841-T-C.
Other names: c.1021T>C, p.Phe341Leu (NM_001354663.2); c.1018T>C, p.Phe340Leu (NM_001354664.2); c.1390T>C, p.Phe464Leu (NM_015560.3); c.1282T>C, p.Phe428Leu (NM_130831.3); c.1336T>C, p.Phe446Leu (NM_130832.3); c.1393T>C, p.Phe465Leu (NM_130833.3); c.1444T>C, p.Phe482Leu (NM_130834.3); c.1447T>C, p.Phe483Leu (NM_130835.3); and 1 more; short protein forms F340L, F446L, F501L, F428L, F341L, F464L, F465L, F482L.
Identifiers: ClinVar variation 1520027 (VCV001520027.8), dbSNP rs757786063, ClinGen allele CA2759408.